The following is an entry in ClinVar:

NM_001166108.2(PALLD):c.2898G>C (p.Lys966Asn)

Genes: CBR4 (carbonyl reductase 4; minus strand), PALLD (palladin, cytoskeletal associated protein; plus strand). Cytogenetic location: 4q32.3.
Variant type: single nucleotide variant.
Coding change: c.2898G>C on transcript NM_001166108.2 (MANE Select); coding-DNA position 2898, G replaced by C.
Protein change: p.Lys966Asn; replaces lysine 966 with asparagine.
Molecular consequence: missense variant.
Genome position (GRCh38, 1-based): chr4:168,921,581, G>C. VCF-style: chr4-168921581-G-C. GRCh37 (hg19) VCF-style: chr4-169842732-G-C.
Other names: c.1701G>C, p.Lys567Asn (NM_001166109.2); c.1386G>C, p.Lys462Asn (NM_001166110.2); c.726G>C, p.Lys242Asn (NM_001367567.1, NM_001367569.1); c.777G>C, p.Lys259Asn (NM_001367568.1, NM_001367570.1); c.2847G>C, p.Lys949Asn (NM_016081.4); short protein forms K242N, K259N, K462N, K567N, K949N, K966N.
Identifiers: ClinVar variation 1796784 (VCV001796784.2), dbSNP rs2534192592, ClinGen allele CA358708551.

ClinVar aggregate classification (germline): Uncertain significance (1 of 4 stars; one submission).

Submission:

Ambry Genetics
Classification: Uncertain significance. Last evaluated: 2022-09-05. Review status: criteria provided, single submitter. Criteria: Ambry Variant Classification Scheme 2023. Collection method: clinical testing. Allele origin: germline.
Comment: The p.K949N variant (also known as c.2847G>C), located in coding exon 16 of the PALLD gene, results from a G to C substitution at nucleotide position 2847. The lysine at codon 949 is replaced by asparagine, an amino acid with similar properties. This amino acid position is conserved. In addition, this alteration is predicted to be tolerated by in silico analysis. Since supporting evidence is limited at this time, the clinical significance of this alteration remains unclear.